The following is an entry in ClinVar:

NM_001330588.2(TPP2):c.2937A>T (p.Glu979Asp)

Gene: TPP2 (tripeptidyl peptidase 2; plus strand). Cytogenetic location: 13q33.1.
Variant type: single nucleotide variant.
Coding change: c.2937A>T on transcript NM_001330588.2 (MANE Select); coding-DNA position 2937, A replaced by T.
Protein change: p.Glu979Asp; replaces glutamic acid 979 with aspartic acid.
Molecular consequence: missense variant. On other transcripts: non-coding transcript variant (1).
Genome position (GRCh38, 1-based): chr13:102,649,471, A>T. VCF-style: chr13-102649471-A-T. GRCh37 (hg19) VCF-style: chr13-103301821-A-T.
Other names: c.2937A>T, p.Glu979Asp (NM_001367947.1, NM_003291.4); short protein forms E979D.
Identifiers: ClinVar variation 1484527 (VCV001484527.6), dbSNP rs1883352930, ClinGen allele CA388502832.

ClinVar aggregate classification (germline): Uncertain significance (1 of 4 stars; one submission).

Conditions:
Evans syndrome, immunodeficiency, and premature immunosenescence associated with tripeptidyl-peptidase II deficiency. Identifiers: MedGen CN231723. Disease mechanism: loss of function.

Submission:

Labcorp Genetics (formerly Invitae), Labcorp
Classification: Uncertain significance for Evans syndrome, immunodeficiency, and premature immunosenescence associated with tripeptidyl-peptidase II deficiency. Last evaluated: 2022-08-30. Review status: criteria provided, single submitter. Criteria: Invitae Variant Classification Sherloc (09022015). Collection method: clinical testing. Allele origin: germline.
Comment: In summary, the available evidence is currently insufficient to determine the role of this variant in disease. Therefore, it has been classified as a Variant of Uncertain Significance. This sequence change replaces glutamic acid, which is acidic and polar, with aspartic acid, which is acidic and polar, at codon 979 of the TPP2 protein (p.Glu979Asp). This variant is not present in population databases (gnomAD no frequency). This variant has not been reported in the literature in individuals affected with TPP2-related conditions. ClinVar contains an entry for this variant (Variation ID: 1484527). Algorithms developed to predict the effect of missense changes on protein structure and function output the following: SIFT: "Tolerated"; PolyPhen-2: "Benign"; Align-GVGD: "Class C0". The aspartic acid amino acid residue is found in multiple mammalian species, which suggests that this missense change does not adversely affect protein function.